The following is an entry in ClinVar:

NM_018699.4(PRDM5):c.689C>T (p.Ser230Phe)

Gene: PRDM5 (PR/SET domain 5; minus strand). Cytogenetic location: 4q27.
Variant type: single nucleotide variant.
Coding change: c.689C>T on transcript NM_018699.4 (MANE Select); coding-DNA position 689, C replaced by T.
Protein change: p.Ser230Phe; replaces serine 230 with phenylalanine.
Molecular consequence: missense variant. On other transcripts: intron variant (3).
Genome position (GRCh38, 1-based): chr4:120,816,886, G>A on the plus strand (C>T on the coding strand, the complement: PRDM5 is on the minus strand). VCF-style: chr4-120816886-G-A. GRCh37 (hg19) VCF-style: chr4-121738041-G-A.
Other names: c.689C>T, p.Ser230Phe (NM_001379104.1); c.651-312C>T (NM_001300824.2, NM_001379106.1, NM_001300823.2); short protein forms S230F.
Identifiers: ClinVar variation 1756030 (VCV001756030.2), dbSNP rs2477954801, ClinGen allele CA358207769.

ClinVar aggregate classification (germline): Uncertain significance (1 of 4 stars; one submission).

Conditions:
Cardiovascular phenotype. Identifiers: MedGen CN230736.

Submission:

Ambry Genetics
Classification: Uncertain significance for Cardiovascular phenotype. Last evaluated: 2022-03-17. Review status: criteria provided, single submitter. Criteria: Ambry Variant Classification Scheme 2023. Collection method: clinical testing. Allele origin: germline.
Comment: The p.S230F variant (also known as c.689C>T), located in coding exon 6 of the PRDM5 gene, results from a C to T substitution at nucleotide position 689. The serine at codon 230 is replaced by phenylalanine, an amino acid with highly dissimilar properties. This amino acid position is conserved. In addition, this alteration is predicted to be tolerated by in silico analysis. Since supporting evidence is limited at this time, the clinical significance of this alteration remains unclear.